The following is an entry in ClinVar:

ClinVar aggregate classification (germline): Likely benign. Review status: criteria provided, single submitter (1 of 4 stars). 2 submissions from 2 submitters: Likely benign (1). 1 of the submissions does not count toward it. Last evaluated 2026-01-15.

Conditions:
Left-right axis malformations. Identifiers: MedGen C1866091.
LEFTY2-related disorder. Also called: LEFTY2-related condition.

Allele frequency attached by ClinVar (database versions not stated): gnomAD exomes 0.00007 and 0.00039; gnomAD 0.00009; TOPMed 0.00019; ExAC 0.00034.
gnomAD v4.1: 118 of 1,610,296 alleles (0.0073%); highest among the groups gnomAD compares: Admixed American, 0.17%; no homozygotes.

Submissions (2):

Labcorp Genetics (formerly Invitae), Labcorp
Classification: Likely benign for Left-right axis malformations. Last evaluated: 2026-01-15. Review status: criteria provided, single submitter. Criteria: Invitae Variant Classification Sherloc (09022015). Collection method: clinical testing. Allele origin: germline.

PreventionGenetics, part of Exact Sciences
Classification: Likely benign for LEFTY2-related condition. Last evaluated: 2023-11-21. Review status: no assertion criteria provided. Collection method: clinical testing. Allele origin: germline. Not counted in ClinVar's aggregate classification.
Comment: This variant is classified as likely benign based on ACMG/AMP sequence variant interpretation guidelines (Richards et al. 2015 PMID: 25741868, with internal and published modifications).

NM_003240.5(LEFTY2):c.639C>T (p.Ser213=)

Gene: LEFTY2 (left-right determination factor 2; minus strand). Cytogenetic location: 1q42.12.
Variant type: single nucleotide variant.
Coding change: c.639C>T on transcript NM_003240.5 (MANE Select); coding-DNA position 639, C replaced by T.
Protein change: p.Ser213=; no amino-acid change (serine 213 retained).
Molecular consequence: synonymous variant.
Genome position (GRCh38, 1-based): chr1:225,939,459, G>A on the plus strand (C>T on the coding strand, the complement: LEFTY2 is on the minus strand). VCF-style: chr1-225939459-G-A. GRCh37 (hg19) VCF-style: chr1-226127159-G-A.
Other names: c.537C>T, p.Ser179= (NM_001172425.3); c.639C>T (NM_003240.4).
Identifiers: ClinVar variation 698471 (VCV000698471.12), dbSNP rs780082623, ClinGen allele CA1420520.